The following is an entry in ClinVar:

NM_017934.7(PHIP):c.2661T>C (p.Ser887=)

Gene: PHIP (PHIP subunit of CUL4-Ring ligase complex; minus strand). Cytogenetic location: 6q14.1.
Variant type: single nucleotide variant.
Coding change: c.2661T>C on transcript NM_017934.7 (MANE Select); coding-DNA position 2661, T replaced by C.
Protein change: p.Ser887=; no amino-acid change (serine 887 retained).
Molecular consequence: synonymous variant.
Genome position (GRCh38, 1-based): chr6:78,982,994, A>G on the plus strand (T>C on the coding strand, the complement: PHIP is on the minus strand). VCF-style: chr6-78982994-A-G. GRCh37 (hg19) VCF-style: chr6-79692711-A-G.
Identifiers: ClinVar variation 4991993 (VCV004991993.1).
Genomic context (GRCh38, chr6:78,982,994, plus strand): 5'-ATCTTTTTCTTCATTTACTTTTTTCTTTTCCTTTTTAATCTGTTTTTGCTTCTGTTTTTC[A>G]GATTCTTCTTCTTCATCTGAACTGCTTTCTGCTTTCTTGGTTTTATTCTTAGGAACTTTC-3'
Protein context (NP_060404.4, residues 877-897): AESSSDEEEE[Ser887=]EKQKQKQIKK

ClinVar aggregate classification (germline): Likely benign (1 of 4 stars; one submission).

Conditions:
PHIP-related disorder. Also called: PHIP-related condition; PHIP-related disorders.

gnomAD v4.1: 5 of 1,608,396 alleles (0.00031%); highest among the groups gnomAD compares: Non-Finnish European, 0.00042%; no homozygotes.

Submission:

PreventionGenetics, part of Exact Sciences
Classification: Likely benign for PHIP-related condition. Last evaluated: 2025-08-20. Review status: criteria provided, single submitter. Criteria: ACMG Guidelines, 2015. Collection method: clinical testing. Allele origin: germline.
Comment: This variant is classified as likely benign based on ACMG/AMP sequence variant interpretation guidelines (Richards et al. 2015 PMID: 25741868, with internal and published modifications).